The following is an entry in ClinVar:

ClinVar aggregate classification (germline): Uncertain significance (1 of 4 stars; one submission).

Conditions:
Leydig cell agenesis. Also called: HYPERGONADOTROPIC HYPOGONADISM, MALE, DUE TO LHCGR DEFECT; Leydig cell hypoplasia, type 1; LEYDIG CELL HYPOPLASIA WITH MALE PSEUDOHERMAPHRODITISM; LEYDIG CELL HYPOPLASIA, COMPLETE. Identifiers: MedGen C0266432, MONDO:0009384, OMIM 238320.

gnomAD v4.1: 1 of 1,541,106 alleles (0.000065%); no homozygotes.

Submission:

Dr. med. U. Finckh, Human Genetics, Eurofins MVZ
Classification: Uncertain significance for Leydig cell agenesis. Last evaluated: 2023-01-01. Review status: criteria provided, single submitter. Criteria: ACMG Guidelines, 2015. Collection method: clinical testing. Allele origin: unknown.

NM_000233.4(LHCGR):c.118G>T (p.Gly40Cys)

Genes: LHCGR (luteinizing hormone/choriogonadotropin receptor; minus strand), STON1-GTF2A1L (STON1-GTF2A1L readthrough; plus strand). Cytogenetic location: 2p16.3.
Variant type: single nucleotide variant.
Coding change: c.118G>T on transcript NM_000233.4 (MANE Select); coding-DNA position 118, G replaced by T.
Protein change: p.Gly40Cys; replaces glycine 40 with cysteine.
Molecular consequence: missense variant. On other transcripts: intron variant (1).
Genome position (GRCh38, 1-based): chr2:48,755,554, C>A on the plus strand (G>T on the coding strand, the complement: LHCGR is on the minus strand). VCF-style: chr2-48755554-C-A. GRCh37 (hg19) VCF-style: chr2-48982693-C-A.
Other names: c.3442-20726C>A (NM_001198593.2); short protein forms G40C.
Identifiers: ClinVar variation 2505528 (VCV002505528.1), dbSNP rs1670170321, ClinGen allele CA346815472.